The following is an entry in ClinVar:

ClinVar aggregate classification (germline): Uncertain significance (1 of 4 stars; one submission).

gnomAD v4.1: 1 of 1,613,778 alleles (0.000062%); no homozygotes.

Submission:

GeneDx
Classification: Uncertain significance. Last evaluated: 2024-02-01. Review status: criteria provided, single submitter. Criteria: GeneDx Variant Classification Process June 2021. Collection method: clinical testing. Allele origin: germline. Affected: yes.
Comment: Not observed at significant frequency in large population cohorts (gnomAD); In silico analysis supports that this missense variant has a deleterious effect on protein structure/function; Has not been previously published as pathogenic or benign to our knowledge

NM_014727.3(KMT2B):c.5164G>A (p.Gly1722Arg)

Gene: KMT2B (lysine methyltransferase 2B; plus strand). Cytogenetic location: 19q13.12.
Variant type: single nucleotide variant.
Coding change: c.5164G>A on transcript NM_014727.3 (MANE Select); coding-DNA position 5164, G replaced by A.
Protein change: p.Gly1722Arg; replaces glycine 1722 with arginine.
Molecular consequence: missense variant.
Genome position (GRCh38, 1-based): chr19:35,730,429, G>A. VCF-style: chr19-35730429-G-A. GRCh37 (hg19) VCF-style: chr19-36221330-G-A.
Other names: short protein forms G1722R.
Identifiers: ClinVar variation 3368743 (VCV003368743.1).